The following is an entry in ClinVar:

GRCh37/hg19 19q13.32-13.33(chr19:47036361-48525536)

Genes: AP2S1 (adaptor related protein complex 2 subunit sigma 1; minus strand), ARHGAP35 (Rho GTPase activating protein 35; plus strand), BBC3 (BCL2 binding component 3; minus strand), BICRA (BRD4 interacting chromatin remodeling complex associated protein; plus strand), BSPH1 (binder of sperm protein homolog 1; minus strand) and 30 more. Cytogenetic location: 19q13.32-13.33.
Variant type: copy number gain.
Identifiers: ClinVar variation 625762 (VCV000625762.1).

ClinVar aggregate classification (germline): Pathogenic (1 of 4 stars; one submission).

Submission:

Baylor Genetics
Classification: Pathogenic. Last evaluated: 2018-11-01. Review status: criteria provided, single submitter. Criteria: ACMG CNV Guidelines, 2011. Collection method: clinical testing. Allele origin: de novo. Observed: 1 variant allele.